The following is an entry in ClinVar:

ClinVar aggregate classification (germline): Uncertain significance (1 of 4 stars; one submission).

Conditions:
VPS13B-related disorder. Also called: VPS13B-related condition.

gnomAD v4.1: 2 of 1,603,174 alleles (0.00012%); highest among the groups gnomAD compares: Non-Finnish European, 0.000085%; no homozygotes.

Submission:

PreventionGenetics, part of Exact Sciences
Classification: Uncertain significance for VPS13B-related condition. Last evaluated: 2025-01-22. Review status: criteria provided, single submitter. Criteria: ACMG Guidelines, 2015. Collection method: clinical testing. Allele origin: germline.
Comment: The VPS13B c.644G>A variant is predicted to result in the amino acid substitution p.Arg215Gln. To our knowledge, this variant has not been reported in the literature. This variant is reported in 0.00089% of alleles in individuals of European (Non-Finnish) descent in gnomAD. At this time, the clinical significance of this variant is uncertain due to the absence of conclusive functional and genetic evidence.

NM_152564.5(VPS13B):c.644G>A (p.Arg215Gln)

Gene: VPS13B (vacuolar protein sorting 13 homolog B; plus strand). Cytogenetic location: 8q22.2.
Variant type: single nucleotide variant.
Coding change: c.644G>A on transcript NM_152564.5 (MANE Select); coding-DNA position 644, G replaced by A.
Protein change: p.Arg215Gln; replaces arginine 215 with glutamine.
Molecular consequence: missense variant. On other transcripts: non-coding transcript variant (1).
Genome position (GRCh38, 1-based): chr8:99,111,161, G>A. VCF-style: chr8-99111161-G-A. GRCh37 (hg19) VCF-style: chr8-100123389-G-A.
Other names: c.644G>A, p.Arg215Gln (NM_015243.3, NM_017890.5, NM_181661.3); short protein forms R215Q.
Identifiers: ClinVar variation 4981478 (VCV004981478.1).